The following is an entry in ClinVar:

ClinVar aggregate classification (germline): Likely pathogenic (1 of 4 stars; one submission).

Conditions:
Neurodevelopmental disorder with microcephaly, arthrogryposis, and structural brain anomalies. Identifiers: Orphanet 664923, MedGen C5231431, MONDO:0032838, OMIM 618622.

Allele frequency attached by ClinVar (database versions not stated): gnomAD exomes below 0.00001; ExAC 0.00001; gnomAD 0.00001; TOPMed 0.00001.

Submission:

Baylor Genetics
Classification: Likely pathogenic for Neurodevelopmental disorder with microcephaly, arthrogryposis, and structural brain anomalies. Last evaluated: 2020-05-26. Review status: criteria provided, single submitter. Criteria: ACMG Guidelines, 2015. Collection method: clinical testing. Allele origin: unknown. Affected: yes.
Comment: This variant was determined to be likely pathogenic according to ACMG Guidelines, 2015 [PMID:25741868].

NM_017951.5(SMPD4):c.1893+2T>C

Gene: SMPD4 (sphingomyelin phosphodiesterase 4; minus strand). Cytogenetic location: 2q21.1.
Variant type: single nucleotide variant.
Coding change: c.1893+2T>C on transcript NM_017951.5 (MANE Select); the canonical splice donor site of the intron after coding-DNA position 1893, T replaced by C.
Molecular consequence: splice donor variant.
Genome position (GRCh38, 1-based): chr2:130,153,700, A>G on the plus strand (T>C on the coding strand, the complement: SMPD4 is on the minus strand). VCF-style: chr2-130153700-A-G. GRCh37 (hg19) VCF-style: chr2-130911273-A-G.
Other names: c.1704+2T>C (NM_001171083.2); c.1923+2T>C (NM_017751.4).
Identifiers: ClinVar variation 1030617 (VCV001030617.1), dbSNP rs781077687, ClinGen allele CA1869609.